The following is an entry in ClinVar:

NC_000023.10:g.(?_32398607)_(32614013_?)del

Gene: DMD (dystrophin; minus strand). Cytogenetic location: Xp21.1.
Variant type: Deletion.
Identifiers: ClinVar variation 1455787 (VCV001455787.7).

ClinVar aggregate classification (germline): Pathogenic (1 of 4 stars; one submission).

Conditions:
Duchenne muscular dystrophy (DMD). Also called: Duchenne Muscular Dystrophy (DMD); MUSCULAR DYSTROPHY, PSEUDOHYPERTROPHIC PROGRESSIVE, DUCHENNE TYPE. Identifiers: Orphanet 98896, MedGen C0013264, MONDO:0010679, OMIM 310200.

Submission:

Labcorp Genetics (formerly Invitae), Labcorp
Classification: Pathogenic for Duchenne muscular dystrophy. Last evaluated: 2021-03-30. Review status: criteria provided, single submitter. Criteria: Invitae Variant Classification Sherloc (09022015). Collection method: clinical testing. Allele origin: germline.
Comment: For these reasons, this variant has been classified as Pathogenic. The region of the DMD gene that includes exon(s) 13 has been determined to be clinically significant (PMID: 18353051, 22379338, 28116794, 28610567). Therefore, deletions that encompass that region are likely to disrupt protein function and cause disease. A similar copy number variant has been observed in individual(s) with dystrophinopathies (PMID: 23453023, 8543940). This variant is a gross deletion of the genomic region encompassing exon(s) 13-34 of the DMD gene. This variant would be expected to be in-frame, preserving the integrity of the reading frame.

Literature cited by the submitters: PubMed 18353051; PubMed 22379338; PubMed 28116794; PubMed 28610567; PubMed 23453023; PubMed 8543940.